The following is an entry in ClinVar:

ClinVar aggregate classification (germline): Uncertain significance. Review status: criteria provided, multiple submitters, no conflicts (2 of 4 stars). 2 submissions from 2 submitters: Uncertain significance (2). Last evaluated 2025-06-23.

Allele frequency attached by ClinVar (database versions not stated): ExAC 0.00006; ESP Exome Variant Server 0.00008.

Submissions (2):

Labcorp Genetics (formerly Invitae), Labcorp
Classification: Uncertain significance. Last evaluated: 2025-06-23. Review status: criteria provided, single submitter. Criteria: Invitae Variant Classification Sherloc (09022015). Collection method: clinical testing. Allele origin: germline.
Comment: This sequence change replaces arginine, which is basic and polar, with cysteine, which is neutral and slightly polar, at codon 88 of the FBN3 protein (p.Arg88Cys). The frequency data for this variant in the population databases is considered unreliable, as metrics indicate poor data quality at this position in the gnomAD database. This variant has not been reported in the literature in individuals affected with FBN3-related conditions. ClinVar contains an entry for this variant (Variation ID: 2592678). An algorithm developed to predict the effect of missense changes on protein structure and function (PolyPhen-2) suggests that this variant is likely to be tolerated. In summary, the available evidence is currently insufficient to determine the role of this variant in disease. Therefore, it has been classified as a Variant of Uncertain Significance.

Ambry Genetics
Classification: Uncertain significance. Last evaluated: 2023-08-22. Review status: criteria provided, single submitter. Criteria: Ambry Variant Classification Scheme 2023. Collection method: clinical testing. Allele origin: germline.

NM_032447.5(FBN3):c.262C>T (p.Arg88Cys)

Gene: FBN3 (fibrillin 3; minus strand). Cytogenetic location: 19p13.2.
Variant type: single nucleotide variant.
Coding change: c.262C>T on transcript NM_032447.5 (MANE Select); coding-DNA position 262, C replaced by T.
Protein change: p.Arg88Cys; replaces arginine 88 with cysteine.
Molecular consequence: missense variant.
Genome position (GRCh38, 1-based): chr19:8,146,214, G>A on the plus strand (C>T on the coding strand, the complement: FBN3 is on the minus strand). VCF-style: chr19-8146214-G-A. GRCh37 (hg19) VCF-style: chr19-8211098-G-A.
Other names: c.262C>T, p.Arg88Cys (NM_001321431.2); short protein forms R88C.
Identifiers: ClinVar variation 2592678 (VCV002592678.3), dbSNP rs369838031, ClinGen allele CA9153782.